The following is an entry in ClinVar:

ClinVar aggregate classification (germline): Uncertain significance (1 of 4 stars; one submission).

Conditions:
TTC8-related disorder. Also called: TTC8-related condition.

gnomAD v4.1: 3 of 1,613,980 alleles (0.00019%); highest among the groups gnomAD compares: African/African-American, 0.004%; no homozygotes.

Submission:

PreventionGenetics, part of Exact Sciences
Classification: Uncertain significance for TTC8-related condition. Last evaluated: 2025-11-04. Review status: criteria provided, single submitter. Criteria: ACMG Guidelines, 2015. Collection method: clinical testing. Allele origin: germline.
Comment: The TTC8 c.975T>G variant is predicted to result in the amino acid substitution p.His325Gln. To our knowledge, this variant has not been reported in the literature. This variant is reported in 0.0062% of alleles in individuals of African descent in gnomAD. At this time, the clinical significance of this variant is uncertain due to the absence of conclusive functional and genetic evidence.

NM_144596.4(TTC8):c.975T>G (p.His325Gln)

Gene: TTC8 (tetratricopeptide repeat domain 8; plus strand). Cytogenetic location: 14q31.3.
Variant type: single nucleotide variant.
Coding change: c.975T>G on transcript NM_144596.4 (MANE Select); coding-DNA position 975, T replaced by G.
Protein change: p.His325Gln; replaces histidine 325 with glutamine.
Molecular consequence: missense variant. On other transcripts: non-coding transcript variant (1).
Genome position (GRCh38, 1-based): chr14:88,870,124, T>G. VCF-style: chr14-88870124-T-G. GRCh37 (hg19) VCF-style: chr14-89336468-T-G.
Other names: c.1023T>G, p.His341Gln (NM_001288781.1); c.381T>G, p.His127Gln (NM_001288782.1); c.258T>G, p.His86Gln (NM_001288783.1); c.945T>G, p.His315Gln (NM_001366535.2, NM_198309.3); c.855T>G, p.His285Gln (NM_001366536.2, NM_198310.3); short protein forms H341Q, H127Q, H315Q, H325Q, H285Q, H86Q.
Identifiers: ClinVar variation 5001917 (VCV005001917.1).